The following is an entry in ClinVar:

NM_014049.5(ACAD9):c.778G>T (p.Glu260Ter)

Gene: ACAD9 (acyl-CoA dehydrogenase family member 9; plus strand). Cytogenetic location: 3q21.3.
Variant type: single nucleotide variant.
Coding change: c.778G>T on transcript NM_014049.5 (MANE Select); coding-DNA position 778, G replaced by T.
Protein change: p.Glu260Ter; replaces glutamic acid 260 with a stop codon.
Molecular consequence: nonsense. On other transcripts: non-coding transcript variant (1).
Genome position (GRCh38, 1-based): chr3:128,899,431, G>T. VCF-style: chr3-128899431-G-T. GRCh37 (hg19) VCF-style: chr3-128618274-G-T.
Other names: c.409G>T, p.Glu137Ter (NM_001410805.1); short protein forms E137*, E260*.
Identifiers: ClinVar variation 4815591 (VCV004815591.1).

ClinVar aggregate classification (germline): Likely pathogenic (1 of 4 stars; one submission).

Conditions:
Acyl-CoA dehydrogenase 9 deficiency. Also called: Acyl-CoA dehydrogenase family, member 9, deficiency of; MITOCHONDRIAL COMPLEX I DEFICIENCY, NUCLEAR TYPE 20. Identifiers: Orphanet 99901, MedGen C4747517, MONDO:0012624, OMIM 611126.

Submission:

Natera, Inc.
Classification: Likely pathogenic for ACAD9 deficiency. Last evaluated: 2025-09-25. Review status: criteria provided, single submitter. Criteria: Natera Variant Classification Schema (03/2026). Collection method: clinical testing. Allele origin: germline.
Comment: The c.778G>T variant in ACAD9 is a nonsense variant predicted to introduce a stop codon at amino acid 260. This variant is expected to result in nonsense mediated decay, truncation, or a dysfunctional protein product. This variant is rare in the general population with a frequency below the threshold expected for the associated phenotype(s). Given the available evidence, this variant is classified as Likely Pathogenic.